The following is an entry in ClinVar:

NM_001375567.1(FOCAD):c.3163A>G (p.Ile1055Val)

Gene: FOCAD (focadhesin; plus strand). Cytogenetic location: 9p21.3.
Variant type: single nucleotide variant.
Coding change: c.3163A>G on transcript NM_001375567.1 (MANE Select); coding-DNA position 3163, A replaced by G.
Protein change: p.Ile1055Val; replaces isoleucine 1055 with valine.
Molecular consequence: missense variant.
Genome position (GRCh38, 1-based): chr9:20,929,442, A>G. VCF-style: chr9-20929442-A-G. GRCh37 (hg19) VCF-style: chr9-20929441-A-G.
Other names: c.3058A>G, p.Ile1020Val (NM_001375568.1, NM_001375570.1); c.3163A>G, p.Ile1055Val (NM_017794.5); c.3163A>G (NM_017794.4); short protein forms I1055V, I1020V.
Identifiers: ClinVar variation 2355106 (VCV002355106.6), dbSNP rs148234430, ClinGen allele CA5007457.
Genomic context (GRCh38, chr9:20,929,442, plus strand): 5'-GCTAGTGCCATTGCCCGTTCTGCTGCCGCCACGGCTTTGTCTCTCCTTGTGCCAGTTTTC[A>G]TTATCTCTTGCAAAGAGAAGGTTGAGGAAATCCTGAACATGCTGACTGCCAGGTTACCTG-3'
Protein context (NP_001362496.1, residues 1045-1065): TALSLLVPVF[Ile1055Val]ISCKEKVEEI

ClinVar aggregate classification (germline): Uncertain significance. Review status: criteria provided, multiple submitters, no conflicts (2 of 4 stars). 3 submissions from 3 submitters: Uncertain significance (3). Last evaluated 2026-01-07.

Conditions:
FOCAD-related disorder. Also called: FOCAD-related condition.
Inborn genetic diseases. Identifiers: MedGen C0950123, MeSH D030342.

Allele frequency attached by ClinVar (database versions not stated): ExAC 0.00029; ESP Exome Variant Server 0.00031.
gnomAD v4.1: 681 of 1,613,974 alleles (0.042%); highest among the groups gnomAD compares: Non-Finnish European, 0.051%; 1 homozygote.

Submissions (3):

Labcorp Genetics (formerly Invitae), Labcorp
Classification: Uncertain significance. Last evaluated: 2026-01-07. Review status: criteria provided, single submitter. Criteria: Invitae Variant Classification Sherloc (09022015). Collection method: clinical testing. Allele origin: germline.
Comment: This sequence change replaces isoleucine, which is neutral and non-polar, with valine, which is neutral and non-polar, at codon 1055 of the FOCAD protein (p.Ile1055Val). This variant is present in population databases (rs148234430, gnomAD 0.05%). This variant has not been reported in the literature in individuals affected with FOCAD-related conditions. ClinVar contains an entry for this variant (Variation ID: 2355106). Experimental studies and prediction algorithms are not available or were not evaluated, and the functional significance of this variant is currently unknown. In summary, the available evidence is currently insufficient to determine the role of this variant in disease. Therefore, it has been classified as a Variant of Uncertain Significance.

PreventionGenetics, part of Exact Sciences
Classification: Uncertain significance for FOCAD-related condition. Last evaluated: 2022-12-22. Review status: criteria provided, single submitter. Criteria: ACMG Guidelines, 2015. Collection method: clinical testing. Allele origin: germline.
Comment: The FOCAD c.3163A>G variant is predicted to result in the amino acid substitution p.Ile1055Val. To our knowledge, this variant has not been reported in the literature. This variant is reported in 0.046% of alleles in individuals of South Asian descent in gnomAD. Although we suspect that this variant may be benign, at this time, the clinical significance of this variant is uncertain due to the absence of conclusive functional and genetic evidence.

Ambry Genetics
Classification: Uncertain significance for Inborn genetic diseases. Last evaluated: 2022-12-01. Review status: criteria provided, single submitter. Criteria: Ambry Variant Classification Scheme 2023. Collection method: clinical testing. Allele origin: germline.